The following is an entry in ClinVar:

ClinVar aggregate classification (germline): Uncertain significance (1 of 4 stars; one submission).

Conditions:
RASopathy. Also called: Noonan spectrum disorder; rasopathies. Identifiers: Orphanet 536391, MedGen C5555857, MONDO:0021060.

gnomAD v4.1: 3 of 1,550,918 alleles (0.00019%); highest among the groups gnomAD compares: African/African-American, 0.0027%; no homozygotes.

Submission:

Labcorp Genetics (formerly Invitae), Labcorp
Classification: Uncertain significance for RASopathy. Last evaluated: 2025-09-22. Review status: criteria provided, single submitter. Criteria: Invitae Variant Classification Sherloc (09022015). Collection method: clinical testing. Allele origin: germline.
Comment: This sequence change replaces valine, which is neutral and non-polar, with leucine, which is neutral and non-polar, at codon 400 of the MAP2K2 protein (p.Val400Leu). This variant is not present in population databases (gnomAD no frequency). This variant has not been reported in the literature in individuals affected with MAP2K2-related conditions. Invitae Evidence Modeling of protein sequence and biophysical properties (such as structural, functional, and spatial information, amino acid conservation, physicochemical variation, residue mobility, and thermodynamic stability) indicates that this missense variant is not expected to disrupt MAP2K2 protein function with a negative predictive value of 95%. In summary, the available evidence is currently insufficient to determine the role of this variant in disease. Therefore, it has been classified as a Variant of Uncertain Significance.

NM_030662.4(MAP2K2):c.1198G>C (p.Val400Leu)

Gene: MAP2K2 (mitogen-activated protein kinase kinase 2; minus strand). Cytogenetic location: 19p13.3.
Variant type: single nucleotide variant.
Coding change: c.1198G>C on transcript NM_030662.4 (MANE Select); coding-DNA position 1198, G replaced by C.
Protein change: p.Val400Leu; replaces valine 400 with leucine.
Molecular consequence: missense variant.
Genome position (GRCh38, 1-based): chr19:4,090,603, C>G on the plus strand (G>C on the coding strand, the complement: MAP2K2 is on the minus strand). VCF-style: chr19-4090603-C-G. GRCh37 (hg19) VCF-style: chr19-4090601-C-G.
Other names: c.919G>C, p.Val307Leu (NM_001440688.1); c.628G>C, p.Val210Leu (NM_001440689.1); short protein forms V307L, V400L, V210L.
Identifiers: ClinVar variation 4769966 (VCV004769966.1).